The following is an entry in ClinVar:

ClinVar aggregate classification (germline): Uncertain significance (1 of 4 stars; one submission).

Conditions:
Hyper-IgM syndrome type 5 (HIGM5). Also called: Hyper-IgM Immunodeficiency Syndrome, Type 5. Identifiers: Orphanet 101092, MedGen C1720958, MONDO:0011971, OMIM 608106.

Submission:

Labcorp Genetics (formerly Invitae), Labcorp
Classification: Uncertain significance for Hyper-IgM syndrome type 5. Last evaluated: 2023-08-04. Review status: criteria provided, single submitter. Criteria: Invitae Variant Classification Sherloc (09022015). Collection method: clinical testing. Allele origin: germline.
Comment: This variant is not present in population databases (gnomAD no frequency). This variant has not been reported in the literature in individuals affected with UNG-related conditions. This sequence change falls in intron 5 of the UNG gene. It does not directly change the encoded amino acid sequence of the UNG protein. It affects a nucleotide within the consensus splice site. In summary, the available evidence is currently insufficient to determine the role of this variant in disease. Therefore, it has been classified as a Variant of Uncertain Significance. ClinVar contains an entry for this variant (Variation ID: 2101232). Variants that disrupt the consensus splice site are a relatively common cause of aberrant splicing (PMID: 17576681, 9536098). Algorithms developed to predict the effect of sequence changes on RNA splicing suggest that this variant is not likely to affect RNA splicing.

Literature cited by the submitters: PubMed 17576681; PubMed 9536098.

NM_080911.3(UNG):c.622+6C>G

Gene: UNG (uracil DNA glycosylase; plus strand). Cytogenetic location: 12q24.11.
Variant type: single nucleotide variant.
Coding change: c.622+6C>G on transcript NM_080911.3 (MANE Select); 6 bases into the intron after coding-DNA position 622, C replaced by G.
Molecular consequence: intron variant.
Genome position (GRCh38, 1-based): chr12:109,102,933, C>G. VCF-style: chr12-109102933-C-G. GRCh37 (hg19) VCF-style: chr12-109540738-C-G.
Other names: c.595+6C>G (NM_003362.4).
Identifiers: ClinVar variation 2101232 (VCV002101232.4), dbSNP rs2499982557, ClinGen allele CA2580085754.